The following is an entry in ClinVar:

NM_001374828.1(ARID1B):c.528C>A (p.His176Gln)

Genes: ARID1B (AT-rich interaction domain 1B; plus strand), LOC115308161 (uncharacterized LOC115308161; minus strand). Cytogenetic location: 6q25.3.
Variant type: single nucleotide variant.
Coding change: c.528C>A on transcript NM_001374828.1 (MANE Select); coding-DNA position 528, C replaced by A.
Protein change: p.His176Gln; replaces histidine 176 with glutamine.
Molecular consequence: missense variant.
Genome position (GRCh38, 1-based): chr6:156,778,208, C>A. VCF-style: chr6-156778208-C-A. GRCh37 (hg19) VCF-style: chr6-157099342-C-A.
Other names: c.279C>A, p.His93Gln (NM_001346813.1, NM_020732.3); c.528C>A, p.His176Gln (NM_001371656.1, NM_001374820.1, NM_017519.3); c.105C>A, p.His35Gln (NM_175863.2); short protein forms H176Q, H35Q, H93Q.
Identifiers: ClinVar variation 1809836 (VCV001809836.1), dbSNP rs1301230945, ClinGen allele CA366381507.
Genomic context (GRCh38, chr6:156,778,208, plus strand): 5'-CGAAGCCCCCGCCGCGCCGCCCCACCAGCAGCACCACCACCACCACCATGCCCACCACCA[C>A]CACCACCATGCCCACCACCTCCACCACCACCACGCACTACAGCAGCAGCTAAACCAGTTC-3'
Protein context (NP_001361757.1, residues 166-186): QHHHHHHAHH[His176Gln]HHHAHHLHHH

ClinVar aggregate classification (germline): Uncertain significance (1 of 4 stars; one submission).

Allele frequency attached by ClinVar (database versions not stated): gnomAD exomes below 0.00001.
gnomAD v4.1: 1 of 1,540,282 alleles (0.000065%); highest among the groups gnomAD compares: East Asian, 0.0024%; no homozygotes.

Submission:

GeneDx
Classification: Uncertain significance. Last evaluated: 2022-06-29. Review status: criteria provided, single submitter. Criteria: GeneDx Variant Classification Process June 2021. Collection method: clinical testing. Allele origin: germline. Affected: yes.
Comment: Not observed at significant frequency in large population cohorts (gnomAD); In silico analysis supports that this missense variant does not alter protein structure/function; Has not been previously published as pathogenic or benign to our knowledge